The following is an entry in ClinVar:

ClinVar aggregate classification (germline): Benign/Likely benign. Review status: criteria provided, multiple submitters, no conflicts (2 of 4 stars). 3 submissions from 3 submitters: Benign (1); Likely benign (2). Last evaluated 2025-01-14.

Conditions:
Familial cancer of breast. Also called: hereditary breast carcinoma; BREAST CANCER, FAMILIAL; Hereditary breast cancer. Identifiers: Orphanet 227535, MedGen C0346153, MONDO:0016419, OMIM 114480. Disease mechanism: loss of function.
Hereditary cancer-predisposing syndrome. Also called: Tumor predisposition; Hereditary Cancer Syndrome; Hereditary neoplastic syndrome; Neoplastic Syndromes, Hereditary. Identifiers: Orphanet 140162, MedGen C0027672, MeSH D009386, MONDO:0015356.
Ataxia-telangiectasia syndrome (AT). Also called: Ataxia telangiectasia (A-T); LOUIS-BAR SYNDROME; Cerebello-oculocutaneous telangiectasia; Immunodeficiency with ataxia telangiectasia; ATAXIA-TELANGIECTASIA, COMPLEMENTATION GROUP A; ATAXIA-TELANGIECTASIA, FRESNO VARIANT. Identifiers: Orphanet 100, MedGen C0004135, MONDO:0008840, OMIM 208900.

Submissions (3):

Labcorp Genetics (formerly Invitae), Labcorp
Classification: Likely benign for Ataxia-telangiectasia syndrome. Last evaluated: 2025-01-14. Review status: criteria provided, single submitter. Criteria: Invitae Variant Classification Sherloc (09022015). Collection method: clinical testing. Allele origin: germline.

Myriad Genetics, Inc.
Classification: Benign for Familial cancer of breast. Last evaluated: 2024-05-01. Review status: criteria provided, single submitter. Criteria: Myriad Autosomal Dominant, Autosomal Recessive and X-Linked Classification Criteria (2023). Collection method: clinical testing. Allele origin: unknown.
Comment: This variant is considered benign. This variant is a silent/synonymous amino acid change and it is not expected to impact splicing.

Ambry Genetics
Classification: Likely benign for Hereditary cancer-predisposing syndrome. Last evaluated: 2015-08-27. Review status: criteria provided, single submitter. Criteria: Ambry Variant Classification Scheme 2023. Collection method: clinical testing. Allele origin: germline.

NM_000051.4(ATM):c.1782A>G (p.Glu594=)

Gene: ATM (ATM serine/threonine kinase; plus strand). Cytogenetic location: 11q22.3.
Variant type: single nucleotide variant.
Coding change: c.1782A>G on transcript NM_000051.4 (MANE Select); coding-DNA position 1782, A replaced by G.
Protein change: p.Glu594=; no amino-acid change (glutamic acid 594 retained).
Molecular consequence: synonymous variant.
Genome position (GRCh38, 1-based): chr11:108,252,011, A>G. VCF-style: chr11-108252011-A-G. GRCh37 (hg19) VCF-style: chr11-108122738-A-G.
Other names: c.1782A>G, p.Glu594= (NM_001351834.2).
Identifiers: ClinVar variation 233572 (VCV000233572.11), dbSNP rs876660494, ClinGen allele CA10579027.